The following is an entry in ClinVar:

NM_001298.3(CNGA3):c.909T>G (p.Ile303Met)

Gene: CNGA3 (cyclic nucleotide gated channel subunit alpha 3; plus strand). Cytogenetic location: 2q11.2.
Variant type: single nucleotide variant.
Coding change: c.909T>G on transcript NM_001298.3 (MANE Select); coding-DNA position 909, T replaced by G.
Protein change: p.Ile303Met; replaces isoleucine 303 with methionine.
Molecular consequence: missense variant.
Genome position (GRCh38, 1-based): chr2:98,396,079, T>G. VCF-style: chr2-98396079-T-G. GRCh37 (hg19) VCF-style: chr2-99012542-T-G.
Other names: c.855T>G, p.Ile285Met (NM_001079878.2); short protein forms I285M, I303M.
Identifiers: ClinVar variation 5020536 (VCV005020536.1).

ClinVar aggregate classification (germline): Uncertain significance (1 of 4 stars; one submission).

gnomAD v4.1: 1 of 1,614,246 alleles (0.000062%); highest among the groups gnomAD compares: Non-Finnish European, 0.000085%; no homozygotes.

Submission:

Dasa
Classification: Uncertain significance. Last evaluated: 2026-05-19. Review status: criteria provided, single submitter. Criteria: DASA Assertion Criteria. Collection method: clinical testing. Allele origin: germline.
Comment: NM_001298.3(CNGA3):c.909T>G (p.Ile303Met) is a missense variant that results in the substitution of isoleucine with methionine. This variant is rare in population databases. Computational prediction algorithms are consistent with a deleterious effect. The currently available literature and clinical evidence are not sufficient to establish a definitive association between this variant and the reported condition. Therefore, this variant is classified as a variant of uncertain significance.